The following is an entry in ClinVar:

ClinVar aggregate classification (germline): Likely pathogenic (1 of 4 stars; one submission).

Conditions:
Intellectual developmental disorder, X-linked, syndromic, Claes-Jensen type. Also called: Syndromic X-linked intellectual disability Claes-Jensen type; INTELLECTUAL DEVELOPMENTAL DISORDER, X-LINKED, SYNDROMIC 16; MENTAL RETARDATION, X-LINKED, SYNDROMIC 16. Identifiers: Orphanet 85279, MedGen C1845243, MONDO:0010355, OMIM 300534.

Submission:

Department of Human Genetics, Hannover Medical School
Classification: Likely pathogenic for Intellectual developmental disorder, X-linked, syndromic, Claes-Jensen type. Last evaluated: 2025-04-02. Review status: criteria provided, single submitter. Criteria: ACMG Guidelines, 2015. Collection method: clinical testing. Allele origin: germline. Affected: yes.
Comment: ACMG: PVS1, PM2_Supporting

NM_004187.5(KDM5C):c.570C>G (p.Tyr190Ter)

Gene: KDM5C (lysine demethylase 5C; minus strand). Cytogenetic location: Xp11.22.
Variant type: single nucleotide variant.
Coding change: c.570C>G on transcript NM_004187.5 (MANE Select); coding-DNA position 570, C replaced by G.
Protein change: p.Tyr190Ter; replaces tyrosine 190 with a stop codon.
Molecular consequence: nonsense. On other transcripts: non-coding transcript variant (3).
Genome position (GRCh38, 1-based): chrX:53,217,230, G>C on the plus strand (C>G on the coding strand, the complement: KDM5C is on the minus strand). VCF-style: chrX-53217230-G-C. GRCh37 (hg19) VCF-style: chrX-53246412-G-C.
Other names: c.567C>G, p.Tyr189Ter (NM_001353982.2, NM_001282622.3, NM_001353979.2); c.570C>G, p.Tyr190Ter (NM_001353984.2, NM_001353978.3, NM_001353981.2); c.369C>G, p.Tyr123Ter (NM_001146702.2); short protein forms Y123*, Y189*, Y190*.
Identifiers: ClinVar variation 3774600 (VCV003774600.1).